The following is an entry in ClinVar:

ClinVar aggregate classification (germline): Uncertain significance (1 of 4 stars; one submission).

Conditions:
Werner syndrome (WRN). Identifiers: Orphanet 902, MedGen C0043119, MONDO:0010196, OMIM 277700.

Submission:

Labcorp Genetics (formerly Invitae), Labcorp
Classification: Uncertain significance for Werner syndrome. Last evaluated: 2022-03-08. Review status: criteria provided, single submitter. Criteria: Invitae Variant Classification Sherloc (09022015). Collection method: clinical testing. Allele origin: germline.
Comment: This sequence change replaces methionine, which is neutral and non-polar, with isoleucine, which is neutral and non-polar, at codon 250 of the WRN protein (p.Met250Ile). This variant is not present in population databases (gnomAD no frequency). This variant has not been reported in the literature in individuals affected with WRN-related conditions. Algorithms developed to predict the effect of missense changes on protein structure and function are either unavailable or do not agree on the potential impact of this missense change (SIFT: "Not Available"; PolyPhen-2: "Benign"; Align-GVGD: "Not Available"). In summary, the available evidence is currently insufficient to determine the role of this variant in disease. Therefore, it has been classified as a Variant of Uncertain Significance.

NM_000553.6(WRN):c.750G>T (p.Met250Ile)

Gene: WRN (WRN RecQ like helicase; plus strand). Cytogenetic location: 8p12.
Variant type: single nucleotide variant.
Coding change: c.750G>T on transcript NM_000553.6 (MANE Select); coding-DNA position 750, G replaced by T.
Protein change: p.Met250Ile; replaces methionine 250 with isoleucine.
Molecular consequence: missense variant.
Genome position (GRCh38, 1-based): chr8:31,076,198, G>T. VCF-style: chr8-31076198-G-T. GRCh37 (hg19) VCF-style: chr8-30933714-G-T.
Other names: short protein forms M250I.
Identifiers: ClinVar variation 2064892 (VCV002064892.1), dbSNP rs2535901870, ClinGen allele CA370918395.